The following is an entry in ClinVar:

ClinVar aggregate classification (germline): Uncertain significance (1 of 4 stars; one submission).

Allele frequency attached by ClinVar (database versions not stated): gnomAD exomes below 0.00001.
gnomAD v4.1: 1 of 1,613,962 alleles (0.000062%); highest among the groups gnomAD compares: Non-Finnish European, 0.000085%; no homozygotes.

Submission:

Labcorp Genetics (formerly Invitae), Labcorp
Classification: Uncertain significance. Last evaluated: 2022-09-20. Review status: criteria provided, single submitter. Criteria: Invitae Variant Classification Sherloc (09022015). Collection method: clinical testing. Allele origin: germline.
Comment: This variant is not present in population databases (gnomAD no frequency). Algorithms developed to predict the effect of missense changes on protein structure and function are either unavailable or do not agree on the potential impact of this missense change (SIFT: "Deleterious"; PolyPhen-2: "Possibly Damaging"; Align-GVGD: "Class C0"). This variant has not been reported in the literature in individuals affected with C1QTNF5-related conditions. This sequence change replaces glycine, which is neutral and non-polar, with aspartic acid, which is acidic and polar, at codon 210 of the C1QTNF5 protein (p.Gly210Asp). In summary, the available evidence is currently insufficient to determine the role of this variant in disease. Therefore, it has been classified as a Variant of Uncertain Significance.

NM_001278431.2(C1QTNF5):c.629G>A (p.Gly210Asp)

Genes: C1QTNF5 (C1q and TNF related 5; minus strand), MFRP (membrane frizzled-related protein; minus strand). Cytogenetic location: 11q23.3.
Variant type: single nucleotide variant.
Coding change: c.629G>A on transcript NM_001278431.2 (MANE Select); coding-DNA position 629, G replaced by A.
Protein change: p.Gly210Asp; replaces glycine 210 with aspartic acid.
Molecular consequence: missense variant. On other transcripts: 3 prime UTR variant (1).
Genome position (GRCh38, 1-based): chr11:119,339,434, C>T on the plus strand (G>A on the coding strand, the complement: C1QTNF5 is on the minus strand). VCF-style: chr11-119339434-C-T. GRCh37 (hg19) VCF-style: chr11-119210144-C-T.
Other names: c.629G>A, p.Gly210Asp (NM_015645.5); c.*1525G>A (NM_031433.4); short protein forms G210D.
Identifiers: ClinVar variation 2132751 (VCV002132751.4), dbSNP rs1176419588, ClinGen allele CA382968152.
Genomic context (GRCh38, chr11:119,339,434, plus strand): 5'-AATCCGGAGAAGGTGCTGTCTGTCTTGATGCTGGCATAGATGCCAATGTAGTCACCCACA[C>T]CCACCTGCACCCACACTTGGTCCTCAGGCTCCAGCCTCACCATGGCCCCCCCCGAGAGCG-3'
Protein context (NP_001265360.1, residues 200-220): EPEDQVWVQV[Gly210Asp]VGDYIGIYAS